The following is an entry in ClinVar:

NM_000540.3(RYR1):c.13483C>T (p.Pro4495Ser)

Gene: RYR1 (ryanodine receptor 1; plus strand). Cytogenetic location: 19q13.2.
Variant type: single nucleotide variant.
Coding change: c.13483C>T on transcript NM_000540.3 (MANE Select); coding-DNA position 13483, C replaced by T.
Protein change: p.Pro4495Ser; replaces proline 4495 with serine.
Molecular consequence: missense variant.
Genome position (GRCh38, 1-based): chr19:38,566,956, C>T. VCF-style: chr19-38566956-C-T. GRCh37 (hg19) VCF-style: chr19-39057596-C-T.
Other names: c.13468C>T, p.Pro4490Ser (NM_001042723.2); c.13483C>T (NM_000540.2); short protein forms P4490S, P4495S.
Identifiers: ClinVar variation 1408482 (VCV001408482.8), dbSNP rs767437276, ClinGen allele CA059927.

ClinVar aggregate classification (germline): Uncertain significance. Review status: criteria provided, multiple submitters, no conflicts (2 of 4 stars). 3 submissions from 3 submitters: Uncertain significance (3). Last evaluated 2025-05-16.

Conditions:
Malignant hyperthermia, susceptibility to, 1 (MHS1). Also called: Anesthesia related hyperthermia; Malignant hyperpyrexia; Fulminating hyperpyrexia; Pharmacogenic myopathy; Malignant hyperthermia suceptibility 1; RYR1-Related Malignant Hyperthermia Susceptibility. Identifiers: Orphanet 423, MedGen C2930980, MONDO:0007783, OMIM 145600.
Inborn genetic diseases. Identifiers: MedGen C0950123, MeSH D030342.
RYR1-related disorder. Also called: RYR1-related disorders; RYR1-related condition. Identifiers: MedGen CN239331.

Allele frequency attached by ClinVar (database versions not stated): gnomAD exomes below 0.00001; TOPMed below 0.00001; gnomAD 0.00001 and 0.00003; ExAC 0.00002.
gnomAD v4.1: 15 of 1,605,490 alleles (0.00093%); highest among the groups gnomAD compares: Admixed American, 0.019%; 1 homozygote.

Submissions (3):

Labcorp Genetics (formerly Invitae), Labcorp
Classification: Uncertain significance for RYR1-related disorder. Last evaluated: 2025-05-16. Review status: criteria provided, single submitter. Criteria: Invitae Variant Classification Sherloc (09022015). Collection method: clinical testing. Allele origin: germline.
Comment: This sequence change replaces proline, which is neutral and non-polar, with serine, which is neutral and polar, at codon 4495 of the RYR1 protein (p.Pro4495Ser). The frequency data for this variant in the population databases is considered unreliable, as metrics indicate poor data quality at this position in the gnomAD database. This variant has not been reported in the literature in individuals affected with RYR1-related conditions. ClinVar contains an entry for this variant (Variation ID: 1408482). Invitae Evidence Modeling of protein sequence and biophysical properties (such as structural, functional, and spatial information, amino acid conservation, physicochemical variation, residue mobility, and thermodynamic stability) has been performed for this missense variant. However, the output from this modeling did not meet the statistical confidence thresholds required to predict the impact of this variant on RYR1 protein function. In summary, the available evidence is currently insufficient to determine the role of this variant in disease. Therefore, it has been classified as a Variant of Uncertain Significance.

Ambry Genetics
Classification: Uncertain significance for Inborn genetic diseases. Last evaluated: 2025-03-18. Review status: criteria provided, single submitter. Criteria: Ambry Variant Classification Scheme 2023. Collection method: clinical testing. Allele origin: germline.

All of Us Research Program, National Institutes of Health
Classification: Uncertain significance for Malignant hyperthermia, susceptibility to, 1. Last evaluated: 2024-07-20. Review status: criteria provided, single submitter. Criteria: ACMG Guidelines, 2015. Collection method: clinical testing. Allele origin: germline. Inheritance: Autosomal dominant inheritance. Observed: 1 variant allele, 1 heterozygote.
Comment: This missense variant replaces proline with serine at codon 4495 of the RYR1 protein. Computational prediction suggests that this variant may not impact protein structure and function (internally defined REVEL score threshold <= 0.5, PMID: 27666373). To our knowledge, functional studies have not been reported for this variant. This variant has not been reported in individuals affected with malignant hyperthermia in the literature. This variant has been identified in 1/232510 chromosomes in the general population by the Genome Aggregation Database (gnomAD). The available evidence is insufficient to determine the role of this variant in disease conclusively. Therefore, this variant is classified as a Variant of Uncertain Significance.

This study involves interpretation of variants in research participants for the purpose of population health screening. Participant phenotype was not available at the time of variant classification. Additional details can be found in publication PMID: 35346344, PMCID: PMC8962531